The following is an entry in ClinVar:

NM_001110556.2(FLNA):c.5558-3C>T

Gene: FLNA (filamin A; minus strand). Cytogenetic location: Xq28.
Variant type: single nucleotide variant.
Coding change: c.5558-3C>T on transcript NM_001110556.2 (MANE Select); 3 bases into the intron before coding-DNA position 5558, C replaced by T.
Molecular consequence: intron variant.
Genome position (GRCh38, 1-based): chrX:154,354,046, G>A on the plus strand (C>T on the coding strand, the complement: FLNA is on the minus strand). VCF-style: chrX-154354046-G-A. GRCh37 (hg19) VCF-style: chrX-153582414-G-A.
Other names: c.5534-3C>T (NM_001456.4).
Identifiers: ClinVar variation 2926348 (VCV002926348.3), dbSNP rs2067643427, ClinGen allele CA2466653523.

ClinVar aggregate classification (germline): Uncertain significance (1 of 4 stars; one submission).

Conditions:
Oto-palato-digital syndrome, type II (OPD2). Also called: Otopalatodigital Syndrome Type 2 (FLNA-OPD2); FACIOPALATOOSSEOUS SYNDROME; OPD II SYNDROME; Otopalatodigital Syndrome, Type II. Identifiers: Orphanet 669, Orphanet 90652, MedGen C1844696, MONDO:0010571, OMIM 304120.
Heterotopia, periventricular, X-linked dominant (PVNH1). Also called: PERIVENTRICULAR NODULAR HETEROTOPIA 1; X-linked periventricular heterotopia; PERIVENTRICULAR NODULAR HETEROTOPIA 4; HETEROTOPIA, PERIVENTRICULAR, 1. Identifiers: Orphanet 2149, Orphanet 82004, MedGen C1848213, MONDO:0010233, OMIM 300049.
Melnick-Needles syndrome (MNS). Also called: Melnick-Needles Syndrome (FLNA-MNS); MELNICK-NEEDLES OSTEODYSPLASTY; OSTEODYSPLASTY OF MELNICK AND NEEDLES. Identifiers: Orphanet 2484, MedGen C0025237, MONDO:0010650, OMIM 309350.
Frontometaphyseal dysplasia (FMD1). Identifiers: Orphanet 1826, MedGen C0265293, MONDO:0015942.

Allele frequency attached by ClinVar (database versions not stated): TOPMed below 0.00001.

Submission:

Labcorp Genetics (formerly Invitae), Labcorp
Classification: Uncertain significance for Oto-palato-digital syndrome, type II; Heterotopia, periventricular, X-linked dominant; Frontometaphyseal dysplasia; Melnick-Needles syndrome. Last evaluated: 2025-12-23. Review status: criteria provided, single submitter. Criteria: Invitae Variant Classification Sherloc (09022015). Collection method: clinical testing. Allele origin: germline.
Comment: This sequence change falls in intron 33 of the FLNA gene. It does not directly change the encoded amino acid sequence of the FLNA protein. It affects a nucleotide within the consensus splice site. This variant is not present in population databases (gnomAD no frequency). This variant has not been reported in the literature in individuals affected with FLNA-related conditions. ClinVar contains an entry for this variant (Variation ID: 2926348). Variants that disrupt the consensus splice site are a relatively common cause of aberrant splicing (PMID: 17576681, 9536098). Algorithms developed to predict the effect of sequence changes on RNA splicing suggest that this variant is not likely to affect RNA splicing. In summary, the available evidence is currently insufficient to determine the role of this variant in disease. Therefore, it has been classified as a Variant of Uncertain Significance.

Literature cited by the submitters: PubMed 17576681; PubMed 9536098.